The following is an entry in ClinVar:

NM_145045.5(ODAD3):c.-72G>A

Gene: ODAD3 (outer dynein arm docking complex subunit 3; minus strand). Cytogenetic location: 19p13.2.
Variant type: single nucleotide variant.
Coding change: c.-72G>A on transcript NM_145045.5 (MANE Select); 72 bases upstream of the start codon, G replaced by A.
Molecular consequence: 5 prime UTR variant. On other transcripts: intron variant (1).
Genome position (GRCh38, 1-based): chr19:11,435,088, C>T on the plus strand (G>A on the coding strand, the complement: ODAD3 is on the minus strand). VCF-style: chr19-11435088-C-T. GRCh37 (hg19) VCF-style: chr19-11545909-C-T.
Other names: c.-72G>A (NM_001302454.2); c.82+602G>A (NM_001302453.1).
Identifiers: ClinVar variation 2662974 (VCV002662974.1), dbSNP rs116717558, ClinGen allele CA305341519.
Genomic context (GRCh38, chr19:11,435,088, plus strand): 5'-GGCTGAAGGCCCCTAGGGGTTAGGGGGATAACTAGGAGTCAGTCGCCCCTGTCAGGGATC[C>T]GTCAGCTCGGATTCCTAGGGCTCTGAAAAATGCACTTTCCGACCGCTAGGTGGTTGCGCT-3'

ClinVar aggregate classification (germline): Likely benign (1 of 4 stars; one submission).

Allele frequency attached by ClinVar (database versions not stated): 1000 Genomes Project 30x 0.00500; 1000 Genomes Project 0.00519; gnomAD 0.00666; TOPMed 0.00745.

Submission:

GeneDx
Classification: Likely benign. Last evaluated: 2019-02-04. Review status: criteria provided, single submitter. Criteria: GeneDx Variant Classification Process June 2021. Collection method: clinical testing. Allele origin: germline. Affected: yes.
Comment: See Variant Classification Assertion Criteria.